The following is an entry in ClinVar:

NM_005762.3(TRIM28):c.1854G>A (p.Pro618=)

Gene: TRIM28 (tripartite motif containing 28; plus strand). Cytogenetic location: 19q13.43.
Variant type: single nucleotide variant.
Coding change: c.1854G>A on transcript NM_005762.3 (MANE Select); coding-DNA position 1854, G replaced by A.
Protein change: p.Pro618=; no amino-acid change (proline 618 retained).
Molecular consequence: synonymous variant.
Genome position (GRCh38, 1-based): chr19:58,549,522, G>A. VCF-style: chr19-58549522-G-A. GRCh37 (hg19) VCF-style: chr19-59060889-G-A.
Identifiers: ClinVar variation 2650601 (VCV002650601.27), dbSNP rs139425078, ClinGen allele CA9719404.

ClinVar aggregate classification (germline): Likely benign. Review status: criteria provided, multiple submitters, no conflicts (2 of 4 stars). 2 submissions from 2 submitters: Likely benign (2). Last evaluated 2025-12-31.

Allele frequency attached by ClinVar (database versions not stated): gnomAD 0.00015; 1000 Genomes Project 30x 0.00016; TOPMed 0.00019; 1000 Genomes Project 0.00020; ExAC 0.00021; gnomAD exomes 0.00029; ESP Exome Variant Server 0.00038.
gnomAD v4.1: 441 of 1,613,974 alleles (0.027%); highest among the groups gnomAD compares: South Asian, 0.046%; 1 homozygote.

Submissions (2):

Labcorp Genetics (formerly Invitae), Labcorp
Classification: Likely benign. Last evaluated: 2025-12-31. Review status: criteria provided, single submitter. Criteria: Invitae Variant Classification Sherloc (09022015). Collection method: clinical testing. Allele origin: germline.

CeGaT Center for Human Genetics Tuebingen
Classification: Likely benign. Last evaluated: 2025-04-01. Review status: criteria provided, single submitter. Criteria: CeGaT Center For Human Genetics Tuebingen Variant Classification Criteria Version 2. Collection method: clinical testing. Allele origin: germline. Affected: yes. Observed: 4 variant alleles.
Comment: TRIM28: BP4, BP7